The following is an entry in ClinVar:

ClinVar aggregate classification (germline): Likely benign (1 of 4 stars; one submission).

Conditions:
TRPC5-related disorder. Also called: TRPC5-related condition.

gnomAD v4.1: 1 of 1,211,891 alleles (0.000083%); highest among the groups gnomAD compares: South Asian, 0.0018%; no homozygotes.

Submission:

PreventionGenetics, part of Exact Sciences
Classification: Likely benign for TRPC5-related condition. Last evaluated: 2025-02-28. Review status: criteria provided, single submitter. Criteria: ACMG Guidelines, 2015. Collection method: clinical testing. Allele origin: germline.
Comment: This variant is classified as likely benign based on ACMG/AMP sequence variant interpretation guidelines (Richards et al. 2015 PMID: 25741868, with internal and published modifications).

NM_012471.3(TRPC5):c.1638T>C (p.Ala546=)

Gene: TRPC5 (transient receptor potential cation channel subfamily C member 5; minus strand). Cytogenetic location: Xq23.
Variant type: single nucleotide variant.
Coding change: c.1638T>C on transcript NM_012471.3 (MANE Select); coding-DNA position 1638, T replaced by C.
Protein change: p.Ala546=; no amino-acid change (alanine 546 retained).
Molecular consequence: synonymous variant.
Genome position (GRCh38, 1-based): chrX:111,847,176, A>G on the plus strand (T>C on the coding strand, the complement: TRPC5 is on the minus strand). VCF-style: chrX-111847176-A-G. GRCh37 (hg19) VCF-style: chrX-111090404-A-G.
Identifiers: ClinVar variation 4990012 (VCV004990012.1).
Genomic context (GRCh38, chrX:111,847,176, plus strand): 5'-GGAGAAGGCATTGTTCTGTTTCTCACATCGGATCCCCTTGCAGTTGTTAGGCTCATCGAT[A>G]GCTCTGGTTTCATAATAGAAGTAAAGCTGGTTCAGTCCATTGGCAAAAGCTAGTAGTACC-3'
Protein context (NP_036603.1, residues 536-556): NQLYFYYETR[Ala546=]IDEPNNCKGI